The following is an entry in ClinVar:

NM_007294.4(BRCA1):c.5406+6T>G

Gene: BRCA1 (BRCA1 DNA repair associated; minus strand). Cytogenetic location: 17q21.31.
Variant type: single nucleotide variant.
Coding change: c.5406+6T>G on transcript NM_007294.4 (MANE Select); 6 bases into the intron after coding-DNA position 5406, T replaced by G.
Molecular consequence: intron variant.
Genome position (GRCh38, 1-based): chr17:43,049,115, A>C on the plus strand (T>G on the coding strand, the complement: BRCA1 is on the minus strand). VCF-style: chr17-43049115-A-C. GRCh37 (hg19) VCF-style: chr17-41201132-A-C.
Other names: c.5403+6T>G (NM_001407613.1, NM_001407618.1, NM_001407614.1 and 14 more transcripts); c.1971+6T>G (NM_001408436.1, NM_001408435.1, NM_001408444.1 and 10 more transcripts); c.5283+6T>G (NM_001407665.1, NM_001407667.1, NM_001407668.1 and 3 more transcripts); c.2094+6T>G (NM_001407980.1, NM_001407993.1, NM_001407985.1 and 10 more transcripts); c.2097+6T>G (NM_001407976.1, NM_001407974.1, NM_001407973.1 and 3 more transcripts); c.5406+6T>G (NM_001407603.1, NM_001407598.1, NM_001407596.1 and 5 more transcripts); c.1962+6T>G (NM_001408451.1); c.5193+6T>G (NM_001407898.1, NM_001407894.1, NM_001407909.1 and 12 more transcripts); and 84 more.
Identifiers: ClinVar variation 865714 (VCV000865714.3), dbSNP rs1555575074, ClinGen allele CA916080835.

Conditions:
Breast-ovarian cancer, familial, susceptibility to, 1 (BROVCA1). Also called: BRCA1 Hereditary Breast and Ovarian Cancer; OVARIAN CANCER, SUSCEPTIBILITY TO. Identifiers: Orphanet 145, MedGen C2676676, MONDO:0011450, OMIM 604370. Disease mechanism: loss of function.

Submission:

Brotman Baty Institute, University of Washington
No classification provided (evidence only). Condition: Breast-ovarian cancer, familial 1. Review status: no classification provided. Collection method: in vitro. Allele origin: not applicable. Functional consequence: functionally_abnormal.
ClinVar note: "not provided" was previously submitted as the classification for the variant. However, the classification appeared to be based only on an observation of functional data so it was converted to no classification on 2025-07-30.